The following is an entry in ClinVar:

NM_001105206.3(LAMA4):c.422+210G>C

Gene: LAMA4 (laminin subunit alpha 4; minus strand). Cytogenetic location: 6q21.
Variant type: single nucleotide variant.
Coding change: c.422+210G>C on transcript NM_001105206.3 (MANE Select); 210 bases into the intron after coding-DNA position 422, G replaced by C.
Molecular consequence: intron variant.
Genome position (GRCh38, 1-based): chr6:112,206,811, C>G on the plus strand (G>C on the coding strand, the complement: LAMA4 is on the minus strand). VCF-style: chr6-112206811-C-G. GRCh37 (hg19) VCF-style: chr6-112528012-C-G.
Other names: c.422+210G>C (NM_002290.5, NM_001105207.3).
Identifiers: ClinVar variation 675361 (VCV000675361.1), dbSNP rs73542549, ClinGen allele CA144890912.

ClinVar aggregate classification (germline): Benign (1 of 4 stars; one submission).

Allele frequency attached by ClinVar (database versions not stated): gnomAD 0.05299; 1000 Genomes Project 0.05751; TOPMed 0.06111; 1000 Genomes Project 30x 0.06184.
gnomAD v4.1: 8,351 of 152,246 alleles (5.5%); highest among the groups gnomAD compares: African/African-American, 19%; 727 homozygotes.

Submission:

GeneDx
Classification: Benign. Last evaluated: 2018-06-14. Review status: criteria provided, single submitter. Criteria: GeneDx Variant Classification (06012015). Collection method: clinical testing. Allele origin: germline. Affected: yes.
Comment: This variant is considered likely benign or benign based on one or more of the following criteria: it is a conservative change, it occurs at a poorly conserved position in the protein, it is predicted to be benign by multiple in silico algorithms, and/or has population frequency not consistent with disease.